The following is an entry in ClinVar:

NM_012424.6(RPS6KC1):c.1006G>A (p.Glu336Lys)

Gene: RPS6KC1 (ribosomal protein S6 kinase C1; plus strand). Cytogenetic location: 1q32.3.
Variant type: single nucleotide variant.
Coding change: c.1006G>A on transcript NM_012424.6 (MANE Select); coding-DNA position 1006, G replaced by A.
Protein change: p.Glu336Lys; replaces glutamic acid 336 with lysine.
Molecular consequence: missense variant. On other transcripts: 5 prime UTR variant (12), non-coding transcript variant (4), intron variant (7).
Genome position (GRCh38, 1-based): chr1:213,176,454, G>A. VCF-style: chr1-213176454-G-A. GRCh37 (hg19) VCF-style: chr1-213349797-G-A.
Other names: c.970G>A, p.Glu324Lys (NM_001136138.4); c.-209G>A (NM_001287220.3, NM_001349665.2, NM_001349666.2 and 5 more transcripts); c.463G>A, p.Glu155Lys (NM_001287221.3, NM_001349648.2, NM_001349649.2 and 4 more transcripts); c.643G>A, p.Glu215Lys (NM_001349647.2); c.115G>A, p.Glu39Lys (NM_001349657.2, NM_001349658.2); c.-282G>A (NM_001349659.2); c.-202G>A (NM_001349660.2, NM_001349661.2, NM_001349662.2); c.408+8481G>A (NM_001349654.2, NM_001287219.3, NM_001287218.3); and 2 more; short protein forms E155K, E215K, E39K, E324K, E336K.
Identifiers: ClinVar variation 1366476 (VCV001366476.8), dbSNP rs1371867012, ClinGen allele CA344888339.
Genomic context (GRCh38, chr1:213,176,454, plus strand): 5'-CATTAGCCTCCAGGATCACTAAGTTCAAGGCCCCTTTGGAACCTAAGGAGCCCTGCCGAG[G>A]AGCTGAAGGCCTTCAGAGTCCTTGGGGTGATTGACAAGGTAATTCTTCAGTGTCTCTTCA-3'
Protein context (NP_036556.2, residues 326-346): PLWNLRSPAE[Glu336Lys]LKAFRVLGVI

ClinVar aggregate classification (germline): Uncertain significance (1 of 4 stars; one submission).

Allele frequency attached by ClinVar (database versions not stated): TOPMed 0.00001.
gnomAD v4.1: 22 of 1,609,138 alleles (0.0014%); highest among the groups gnomAD compares: Non-Finnish European, 0.0019%; no homozygotes.

Submission:

Labcorp Genetics (formerly Invitae), Labcorp
Classification: Uncertain significance. Last evaluated: 2021-04-03. Review status: criteria provided, single submitter. Criteria: Invitae Variant Classification Sherloc (09022015). Collection method: clinical testing. Allele origin: germline.
Comment: This variant has not been reported in the literature in individuals with RPS6KC1-related conditions. In summary, the available evidence is currently insufficient to determine the role of this variant in disease. Therefore, it has been classified as a Variant of Uncertain Significance. Algorithms developed to predict the effect of missense changes on protein structure and function are either unavailable or do not agree on the potential impact of this missense change (SIFT: "Tolerated"; PolyPhen-2: "Possibly Damaging"; Align-GVGD: "Class C0"). This variant is not present in population databases (ExAC no frequency). This sequence change replaces glutamic acid with lysine at codon 336 of the RPS6KC1 protein (p.Glu336Lys). The glutamic acid residue is highly conserved and there is a small physicochemical difference between glutamic acid and lysine.